The following is an entry in ClinVar:

ClinVar aggregate classification (germline): Uncertain significance (1 of 4 stars; one submission).

Conditions:
Cardiovascular phenotype. Identifiers: MedGen CN230736.

Submission:

Ambry Genetics
Classification: Uncertain significance for Cardiovascular phenotype. Last evaluated: 2025-02-20. Review status: criteria provided, single submitter. Criteria: Ambry Variant Classification Scheme 2023. Collection method: clinical testing. Allele origin: germline.
Comment: The p.C127R variant (also known as c.379T>C), located in coding exon 4 of the SPRED1 gene, results from a T to C substitution at nucleotide position 379. The cysteine at codon 127 is replaced by arginine, an amino acid with highly dissimilar properties. This amino acid position is conserved. In addition, this alteration is predicted to be deleterious by in silico analysis. Based on the available evidence, the clinical significance of this variant remains unclear.

NM_152594.3(SPRED1):c.379T>C (p.Cys127Arg)

Gene: SPRED1 (sprouty related EVH1 domain containing 1; plus strand). Cytogenetic location: 15q14.
Variant type: single nucleotide variant.
Coding change: c.379T>C on transcript NM_152594.3 (MANE Select); coding-DNA position 379, T replaced by C.
Protein change: p.Cys127Arg; replaces cysteine 127 with arginine.
Molecular consequence: missense variant.
Genome position (GRCh38, 1-based): chr15:38,324,765, T>C. VCF-style: chr15-38324765-T-C. GRCh37 (hg19) VCF-style: chr15-38616966-T-C.
Other names: short protein forms C127R.
Identifiers: ClinVar variation 3800925 (VCV003800925.1).